The following is an entry in ClinVar:

ClinVar aggregate classification (germline): Uncertain significance (1 of 4 stars; one submission).

Submission:

GeneDx
Classification: Uncertain significance. Last evaluated: 2026-10-15. Review status: criteria provided, single submitter. Criteria: GeneDx Variant Classification Process June 2021. Collection method: clinical testing. Allele origin: germline.
Comment: Not observed at significant frequency in large population cohorts (gnomAD); In silico analysis supports that this missense variant has a deleterious effect on protein structure/function; Has not been previously published as pathogenic or benign to our knowledge

NM_006922.4(SCN3A):c.347C>A (p.Pro116His)

Gene: SCN3A (sodium voltage-gated channel alpha subunit 3; minus strand). Cytogenetic location: 2q24.3.
Variant type: single nucleotide variant.
Coding change: c.347C>A on transcript NM_006922.4 (MANE Select); coding-DNA position 347, C replaced by A.
Protein change: p.Pro116His; replaces proline 116 with histidine.
Molecular consequence: missense variant.
Genome position (GRCh38, 1-based): chr2:165,170,466, G>T on the plus strand (C>A on the coding strand, the complement: SCN3A is on the minus strand). VCF-style: chr2-165170466-G-T. GRCh37 (hg19) VCF-style: chr2-166026976-G-T.
Other names: c.347C>A, p.Pro116His (NM_001081676.2, NM_001081677.2); short protein forms P116H.
Identifiers: ClinVar variation 1310481 (VCV001310481.3), dbSNP rs2105910555, ClinGen allele CA349240488.